The following is an entry in ClinVar:

ClinVar aggregate classification (germline): Benign/Likely benign. Review status: criteria provided, multiple submitters, no conflicts (2 of 4 stars). 3 submissions from 3 submitters: Benign (1); Likely benign (2). Last evaluated 2025-12-21.

Conditions:
DLC1-related disorder. Also called: DLC1-related condition.

Allele frequency attached by ClinVar (database versions not stated): 1000 Genomes Project 0.00120; ESP Exome Variant Server 0.00131; 1000 Genomes Project 30x 0.00172; TOPMed 0.00069.
gnomAD v4.1: 187 of 1,610,686 alleles (0.012%); highest among the groups gnomAD compares: African/African-American, 0.24%; no homozygotes.

Submissions (3):

Labcorp Genetics (formerly Invitae), Labcorp
Classification: Benign. Last evaluated: 2025-12-21. Review status: criteria provided, single submitter. Criteria: Invitae Variant Classification Sherloc (09022015). Collection method: clinical testing. Allele origin: germline.

PreventionGenetics, part of Exact Sciences
Classification: Likely benign for DLC1-related condition. Last evaluated: 2025-08-06. Review status: criteria provided, single submitter. Criteria: ACMG Guidelines, 2015. Collection method: clinical testing. Allele origin: germline.
Comment: This variant is classified as likely benign based on ACMG/AMP sequence variant interpretation guidelines (Richards et al. 2015 PMID: 25741868, with internal and published modifications).

Blueprint Genetics
Classification: Likely benign. Last evaluated: 2021-11-03. Review status: criteria provided, single submitter. Criteria: ACMG Guidelines, 2015. Collection method: clinical testing. Allele origin: germline.

NM_182643.3(DLC1):c.2991-5C>G

Gene: DLC1 (DLC1 Rho GTPase activating protein; minus strand). Cytogenetic location: 8p22.
Variant type: single nucleotide variant.
Coding change: c.2991-5C>G on transcript NM_182643.3 (MANE Select); 5 bases into the intron before coding-DNA position 2991, C replaced by G.
Molecular consequence: intron variant.
Genome position (GRCh38, 1-based): chr8:13,098,580, G>C on the plus strand (C>G on the coding strand, the complement: DLC1 is on the minus strand). VCF-style: chr8-13098580-G-C. GRCh37 (hg19) VCF-style: chr8-12956089-G-C.
Other names: c.1458-5C>G (NM_001348082.2, NM_001348084.2, NM_001164271.2 and 1 more transcripts); c.2991-5C>G (NM_001348081.2); c.1782-5C>G (NM_001316668.2); c.1680-5C>G (NM_006094.5).
Identifiers: ClinVar variation 712010 (VCV000712010.10), dbSNP rs78170437, ClinGen allele CA4638475.
Genomic context (GRCh38, chr8:13,098,580, plus strand): 5'-CAGAGTTGAGGCTTGGCCGATGTGAGCTCTGGAAACTGTGCCATCTCAGTCGGTGCCTGC[G>C]AGAGAAGAGGAGAGGAAAATGAGTGTGAAGCCTTTTTATTTGATTTTATTTATTTTATTT-3'